The following is an entry in ClinVar:

ClinVar aggregate classification (germline): Uncertain significance (1 of 4 stars; one submission).

Conditions:
Hereditary diffuse gastric adenocarcinoma (HDGC). Also called: DIFFUSE GASTRIC AND LOBULAR BREAST CANCER SYNDROME. Identifiers: Orphanet 26106, MedGen C1708349, MONDO:0007648, OMIM 137215.

Submission:

Labcorp Genetics (formerly Invitae), Labcorp
Classification: Uncertain significance for Hereditary diffuse gastric adenocarcinoma. Last evaluated: 2022-09-30. Review status: criteria provided, single submitter. Criteria: Invitae Variant Classification Sherloc (09022015). Collection method: clinical testing. Allele origin: germline.
Comment: This sequence change replaces leucine, which is neutral and non-polar, with tryptophan, which is neutral and slightly polar, at codon 862 of the CDH1 protein (p.Leu862Trp). This variant is not present in population databases (gnomAD no frequency). This variant has not been reported in the literature in individuals affected with CDH1-related conditions. Algorithms developed to predict the effect of missense changes on protein structure and function are either unavailable or do not agree on the potential impact of this missense change (SIFT: "Deleterious"; PolyPhen-2: "Probably Damaging"; Align-GVGD: "Class C0"). In summary, the available evidence is currently insufficient to determine the role of this variant in disease. Therefore, it has been classified as a Variant of Uncertain Significance.

NM_004360.5(CDH1):c.2585T>G (p.Leu862Trp)

Gene: CDH1 (cadherin 1; plus strand). Cytogenetic location: 16q22.1.
Variant type: single nucleotide variant.
Coding change: c.2585T>G on transcript NM_004360.5 (MANE Select); coding-DNA position 2585, T replaced by G.
Protein change: p.Leu862Trp; replaces leucine 862 with tryptophan.
Molecular consequence: missense variant.
Genome position (GRCh38, 1-based): chr16:68,833,435, T>G. VCF-style: chr16-68833435-T-G. GRCh37 (hg19) VCF-style: chr16-68867338-T-G.
Other names: c.2402T>G, p.Leu801Trp (NM_001317184.2); c.1037T>G, p.Leu346Trp (NM_001317185.2); c.620T>G, p.Leu207Trp (NM_001317186.2); short protein forms L862W, L207W, L346W, L801W.
Identifiers: ClinVar variation 1979792 (VCV001979792.4), dbSNP rs2152144135, ClinGen allele CA396472578.
Genomic context (GRCh38, chr16:68,833,435, plus strand): 5'-CTGCTAGTCTGAGCTCCCTGAACTCCTCAGAGTCAGACAAAGACCAGGACTATGACTACT[T>G]GAACGAATGGGGCAATCGCTTCAAGAAGCTGGCTGACATGTACGGAGGCGGCGAGGACGA-3'
Protein context (NP_004351.1, residues 852-872): ESDKDQDYDY[Leu862Trp]NEWGNRFKKL